The following is an entry in ClinVar:

NM_001038603.3(MARVELD2):c.188C>A (p.Ser63Ter)

Gene: MARVELD2 (MARVEL domain containing 2; plus strand). Cytogenetic location: 5q13.2.
Variant type: single nucleotide variant.
Coding change: c.188C>A on transcript NM_001038603.3 (MANE Select); coding-DNA position 188, C replaced by A.
Protein change: p.Ser63Ter; replaces serine 63 with a stop codon.
Molecular consequence: nonsense.
Genome position (GRCh38, 1-based): chr5:69,419,573, C>A. VCF-style: chr5-69419573-C-A. GRCh37 (hg19) VCF-style: chr5-68715400-C-A.
Other names: c.188C>A, p.Ser63Ter (NM_001244734.2); short protein forms S63*.
Identifiers: ClinVar variation 3075903 (VCV003075903.2), dbSNP rs531073647, ClinGen allele CA3293996.

ClinVar aggregate classification (germline): Likely pathogenic. Review status: criteria provided, multiple submitters, no conflicts (2 of 4 stars). 2 submissions from 2 submitters: Likely pathogenic (2). Last evaluated 2022-11-03.

Conditions:
Autosomal recessive nonsyndromic hearing loss 49. Also called: Deafness, neurosensory, autosomal recessive 49. Identifiers: Orphanet 90636, MedGen C1857811, MONDO:0012420, OMIM 610153.
Rare genetic deafness. Identifiers: Orphanet 96210, MedGen C5680250.

Submissions (2):

Laboratory for Molecular Medicine, Mass General Brigham Personalized Medicine
Classification: Likely pathogenic for Rare genetic deafness. Last evaluated: 2022-11-03. Review status: criteria provided, single submitter. Criteria: ACMG Guidelines, 2015. Collection method: clinical testing. Allele origin: germline.
Comment: The p.Ser63X variant in MARVELD2 has not been reported in individuals with hearing loss and was absent from large population studies. This nonsense variant leads to a premature termination codon at position 63, which is predicted to lead to a truncated or absent protein. Loss of function of the MARVELD2 gene is an established disease mechanism in autosomal recessive nonsyndromic hearing loss. In summary, although additional studies are required to fully establish its clinical significance, this variant meets criteria to be classified as likely pathogenic for autosomal recessive nonsyndromic hearing loss. ACMG/AMP Criteria applied: PM2_supporting, PVS1.

Neuberg Centre For Genomic Medicine, NCGM
Classification: Likely pathogenic for Autosomal recessive nonsyndromic hearing loss 49. Review status: criteria provided, single submitter. Criteria: ACMG Guidelines, 2015. Collection method: clinical testing. Allele origin: germline. Affected: yes.